The following is an entry in ClinVar:

ClinVar aggregate classification (germline): Benign. Review status: criteria provided, multiple submitters, no conflicts (2 of 4 stars). 8 submissions from 8 submitters: Benign (6). 2 of the submissions do not count toward it. Last evaluated 2026-02-03.

Conditions:
Cardiovascular phenotype. Identifiers: MedGen CN230736.
Brugada syndrome 7 (BRGDA7). Identifiers: Orphanet 130, MedGen C2751088, MONDO:0013146, OMIM 613120.

Allele frequency attached by ClinVar (database versions not stated): 1000 Genomes Project 30x 0.00859; TOPMed 0.00906; ESP Exome Variant Server 0.00908; 1000 Genomes Project 0.00919.
gnomAD v4.1: 2,406 of 1,614,116 alleles (0.15%); highest among the groups gnomAD compares: African/African-American, 2.8%; 36 homozygotes.

Submissions (8):

Labcorp Genetics (formerly Invitae), Labcorp
Classification: Benign for Brugada syndrome 7. Last evaluated: 2026-02-03. Review status: criteria provided, single submitter. Criteria: Invitae Variant Classification Sherloc (09022015). Collection method: clinical testing. Allele origin: germline.

Women's Health and Genetics/Laboratory Corporation of America, LabCorp
Classification: Benign. Last evaluated: 2024-06-17. Review status: criteria provided, single submitter. Criteria: LabCorp Variant Classification Summary - May 2015. Collection method: clinical testing. Allele origin: germline.

ARUP Laboratories, Molecular Genetics and Genomics, ARUP Laboratories
Classification: Benign. Last evaluated: 2022-03-31. Review status: criteria provided, single submitter. Criteria: ARUP Molecular Germline Variant Investigation Process 2021. Collection method: clinical testing. Allele origin: germline.

Ambry Genetics
Classification: Benign for Cardiovascular phenotype. Last evaluated: 2017-02-03. Review status: criteria provided, single submitter. Criteria: Ambry Variant Classification Scheme 2023. Collection method: clinical testing. Allele origin: germline.

GeneDx
Classification: Benign. Last evaluated: 2014-06-18. Review status: criteria provided, single submitter. Criteria: GeneDx Variant Classification (06012015). Collection method: clinical testing. Allele origin: germline. Affected: yes.
Comment: This variant is considered likely benign or benign based on one or more of the following criteria: it is a conservative change, it occurs at a poorly conserved position in the protein, it is predicted to be benign by multiple in silico algorithms, and/or has population frequency not consistent with disease.

Breakthrough Genomics
Classification: Benign. Review status: criteria provided, single submitter. Criteria: ACMG Guidelines, 2015. Collection method: not provided. Allele origin: germline. Inheritance: Autosomal dominant inheritance. Affected: yes.

Clinical Genetics, Academic Medical Center
Classification: Benign. Review status: no assertion criteria provided. Collection method: clinical testing. Allele origin: germline. Affected: yes. Study: VKGL Data-share Consensus. Not counted in ClinVar's aggregate classification.

Joint Genome Diagnostic Labs from Nijmegen and Maastricht, Radboudumc and MUMC+
Classification: Benign. Review status: no assertion criteria provided. Collection method: clinical testing. Allele origin: germline. Affected: yes. Study: VKGL Data-share Consensus. Not counted in ClinVar's aggregate classification.

NM_001040151.2(SCN3B):c.198C>T (p.Pro66=)

Gene: SCN3B (sodium voltage-gated channel beta subunit 3; minus strand). Cytogenetic location: 11q24.1.
Variant type: single nucleotide variant.
Coding change: c.198C>T on transcript NM_001040151.2 (MANE Select); coding-DNA position 198, C replaced by T.
Protein change: p.Pro66=; no amino-acid change (proline 66 retained).
Molecular consequence: synonymous variant.
Genome position (GRCh38, 1-based): chr11:123,645,608, G>A on the plus strand (C>T on the coding strand, the complement: SCN3B is on the minus strand). VCF-style: chr11-123645608-G-A. GRCh37 (hg19) VCF-style: chr11-123516316-G-A.
Other names: p.P66P:CCC>CCT; c.198C>T, p.Pro66= (NM_018400.4).
Identifiers: ClinVar variation 190885 (VCV000190885.31), dbSNP rs115752338, ClinGen allele CA302204.